The following is an entry in ClinVar:

NM_000138.5(FBN1):c.6406G>T (p.Val2136Phe)

Gene: FBN1 (fibrillin 1; minus strand). Cytogenetic location: 15q21.1.
Variant type: single nucleotide variant.
Coding change: c.6406G>T on transcript NM_000138.5 (MANE Select); coding-DNA position 6406, G replaced by T.
Protein change: p.Val2136Phe; replaces valine 2136 with phenylalanine.
Molecular consequence: missense variant.
Genome position (GRCh38, 1-based): chr15:48,437,051, C>A on the plus strand (G>T on the coding strand, the complement: FBN1 is on the minus strand). VCF-style: chr15-48437051-C-A. GRCh37 (hg19) VCF-style: chr15-48729248-C-A.
Other names: c.6406G>T, p.Val2136Phe (NM_001406716.1); short protein forms V2136F.
Identifiers: ClinVar variation 4854724 (VCV004854724.1).

ClinVar aggregate classification (germline): Uncertain significance (1 of 4 stars; one submission).

Conditions:
Marfan syndrome (MFS). Also called: FBN1-Related Marfan Syndrome; MARFAN SYNDROME, TYPE I; Marfan syndrome type 1; Marfan's syndrome; Marfan syndrome, classic. Identifiers: Orphanet 284963, Orphanet 558, MedGen C0024796, MONDO:0007947, OMIM 154700.

Submission:

3billion
Classification: Uncertain significance for Marfan syndrome. Last evaluated: 2025-12-21. Review status: criteria provided, single submitter. Criteria: ACMG Guidelines, 2015. Collection method: clinical testing. Allele origin: germline. Affected: yes.
Comment: The variant is not observed in the gnomAD v4.1.0 dataset. Predicted Consequence/Location: Missense variant In silico tool predictions suggest damaging effect of the variant on gene or gene product [3Cnet: 0.76 (> 0.75, sensitivity 0.96 and precision 0.92)]. A different missense change at the same codon (p.Val2136Asp) has been reported to be associated with FBN1-related disorder (PMID: 17657824). However the evidence of pathogenicity is insufficient at this time. Therefore, this variant is classified as VUS according to the recommendation of ACMG/AMP guideline.

Literature cited by the submitters: PubMed 17657824.